The following is an entry in ClinVar:

ClinVar aggregate classification (germline): Uncertain significance (1 of 4 stars; one submission).

Conditions:
Hypercholesterolemia, autosomal dominant, 3 (FHCL3). Also called: Familial Hypercholesterolemia, Autosomal Dominant, 3; PCSK9-Related Familial Hypercholesterolemia, Autosomal Dominant; Familial hypercholesterolemia 3. Identifiers: MedGen C1863551, MONDO:0011369, OMIM 603776.

Allele frequency attached by ClinVar (database versions not stated): ExAC 0.00001; gnomAD exomes 0.00001.

Submission:

All of Us Research Program, National Institutes of Health
Classification: Uncertain significance for Hypercholesterolemia, autosomal dominant, 3. Last evaluated: 2023-05-31. Review status: criteria provided, single submitter. Criteria: ACMG Guidelines, 2015. Collection method: clinical testing. Allele origin: germline. Inheritance: Autosomal dominant inheritance. Observed: 1 variant allele, 1 heterozygote.
Comment: This study involves interpretation of variants in research participants for the purpose of population health screening. Participant phenotype was not available at the time of variant classification. Additional details can be found in publication PMID: 35346344, PMCID: PMC8962531

NM_174936.4(PCSK9):c.1912C>T (p.Leu638Phe)

Gene: PCSK9 (proprotein convertase subtilisin/kexin type 9; plus strand). Cytogenetic location: 1p32.3.
Variant type: single nucleotide variant.
Coding change: c.1912C>T on transcript NM_174936.4 (MANE Select); coding-DNA position 1912, C replaced by T.
Protein change: p.Leu638Phe; replaces leucine 638 with phenylalanine.
Molecular consequence: missense variant. On other transcripts: non-coding transcript variant (8).
Genome position (GRCh38, 1-based): chr1:55,063,417, C>T. VCF-style: chr1-55063417-C-T. GRCh37 (hg19) VCF-style: chr1-55529090-C-T.
Other names: c.2035C>T, p.Leu679Phe (NM_001407240.1); c.1954C>T, p.Leu652Phe (NM_001407241.1); c.1915C>T, p.Leu639Phe (NM_001407242.1); c.1855C>T, p.Leu619Phe (NM_001407243.1); c.1738C>T, p.Leu580Phe (NM_001407244.1); c.1720C>T, p.Leu574Phe (NM_001407245.1); c.1537C>T, p.Leu513Phe (NM_001407246.1); c.1411C>T, p.Leu471Phe (NM_001407247.1); short protein forms L471F, L513F, L574F, L580F, L619F, L638F, L639F, L652F.
Identifiers: ClinVar variation 3071427 (VCV003071427.1), dbSNP rs752741155, ClinGen allele CA039618.
Genomic context (GRCh38, chr1:55,063,417, plus strand): 5'-GGGCTCTGGCAGGTGACCGTGGCCTGCGAGGAGGGCTGGACCCTGACTGGCTGCAGTGCC[C>T]TCCCTGGGACCTCCCACGTCCTGGGGGCCTACGCCGTAGACAACACGTGTGTAGTCAGGA-3'
Protein context (NP_777596.2, residues 628-648): EGWTLTGCSA[Leu638Phe]PGTSHVLGAY